The following is an entry in ClinVar:

ClinVar aggregate classification (germline): Uncertain significance (1 of 4 stars; one submission).

Conditions:
Alpha thalassemia-X-linked intellectual disability syndrome (ATRX). Also called: ALPHA-THALASSEMIA/MENTAL RETARDATION SYNDROME, X-LINKED; ATR, NONDELETION TYPE; X-linked alpha-thalassemia-mental retardation syndrome; ATR-X syndrome; Alpha thalassemia mental retardation syndrome, nondeletion type, X-linked; XLMR hypotonic face syndrome. Identifiers: Orphanet 847, MedGen C1845055, MONDO:0010519, OMIM 301040.

Submission:

Labcorp Genetics (formerly Invitae), Labcorp
Classification: Uncertain significance for Alpha thalassemia-X-linked intellectual disability syndrome. Last evaluated: 2022-07-17. Review status: criteria provided, single submitter. Criteria: Invitae Variant Classification Sherloc (09022015). Collection method: clinical testing. Allele origin: germline.
Comment: Advanced modeling of protein sequence and biophysical properties (such as structural, functional, and spatial information, amino acid conservation, physicochemical variation, residue mobility, and thermodynamic stability) performed at Invitae indicates that this missense variant is not expected to disrupt ATRX protein function. In summary, the available evidence is currently insufficient to determine the role of this variant in disease. Therefore, it has been classified as a Variant of Uncertain Significance. This sequence change replaces glycine, which is neutral and non-polar, with arginine, which is basic and polar, at codon 1069 of the ATRX protein (p.Gly1069Arg). This variant is not present in population databases (gnomAD no frequency). This variant has not been reported in the literature in individuals affected with ATRX-related conditions.

NM_000489.6(ATRX):c.3205G>A (p.Gly1069Arg)

Gene: ATRX (ATRX chromatin remodeler; minus strand). Cytogenetic location: Xq21.1.
Variant type: single nucleotide variant.
Coding change: c.3205G>A on transcript NM_000489.6 (MANE Select); coding-DNA position 3205, G replaced by A.
Protein change: p.Gly1069Arg; replaces glycine 1069 with arginine.
Molecular consequence: missense variant.
Genome position (GRCh38, 1-based): chrX:77,682,051, C>T on the plus strand (G>A on the coding strand, the complement: ATRX is on the minus strand). VCF-style: chrX-77682051-C-T. GRCh37 (hg19) VCF-style: chrX-76937543-C-T.
Other names: c.3091G>A, p.Gly1031Arg (NM_138270.5); short protein forms G1031R, G1069R.
Identifiers: ClinVar variation 1717965 (VCV001717965.6), dbSNP rs2148579281, ClinGen allele CA413707358.